The following is an entry in ClinVar:

ClinVar aggregate classification (germline): Uncertain significance (1 of 4 stars; one submission).

Submission:

GeneDx
Classification: Uncertain significance. Last evaluated: 2024-05-15. Review status: criteria provided, single submitter. Criteria: GeneDx Variant Classification Process June 2021. Collection method: clinical testing. Allele origin: germline. Affected: yes.
Comment: Not observed at significant frequency in large population cohorts (gnomAD); In-frame insertion of 12 amino acids in a non-repeat region; Has not been previously published as pathogenic or benign to our knowledge

NM_000834.5(GRIN2B):c.2387_2422dup (p.Glu807_Val808insGlyLeuThrGlyIleCysHisAsnGluLysAsnGlu)

Gene: GRIN2B (glutamate ionotropic receptor NMDA type subunit 2B; minus strand). Cytogenetic location: 12p13.1.
Variant type: Duplication.
Coding change: c.2387_2422dup on transcript NM_000834.5 (MANE Select); coding-DNA positions 2387 to 2422, 36 bases duplicated.
Protein change: p.Glu807_Val808insGlyLeuThrGlyIleCysHisAsnGluLysAsnGlu.
Genome position (GRCh38, 1-based): chr12:13,567,201-13,567,236, 36 bases duplicated. GRCh37 (hg19): chr12:13,720,135-13,720,170.
Other names: c.2387_2422dup, p.Glu807_Val808insGlyLeuThrGlyIleCysHisAsnGluLysAsnGlu (NM_001413992.1).
Identifiers: ClinVar variation 3377935 (VCV003377935.1).
Genomic context (GRCh38, chr12:13,567,200, plus strand): 5'-GCCGCCCCCAACATGTAGAAGACCCCTGCCATGTTGTCAATGTCCAGCTGGCTGCTCATG[A>ACCTCATTCTTCTCATTGTGACAAATGCCAGTGAGCC]CCTCATTCTTCTCATTGTGACAAATGCCAGTGAGCCAGAGAGCTTCCAGTTCTTCCATCT-3'